The following is an entry in ClinVar:

ClinVar aggregate classification (germline): Likely benign (1 of 4 stars; one submission).

Allele frequency attached by ClinVar (database versions not stated): TOPMed 0.00030; 1000 Genomes Project 30x 0.00109; 1000 Genomes Project 0.00120.
gnomAD v4.1: 365 of 1,613,676 alleles (0.023%); highest among the groups gnomAD compares: East Asian, 0.37%; 2 homozygotes.

Submission:

CeGaT Center for Human Genetics Tuebingen
Classification: Likely benign. Last evaluated: 2022-04-01. Review status: criteria provided, single submitter. Criteria: CeGaT Center For Human Genetics Tuebingen Variant Classification Criteria Version 2. Collection method: clinical testing. Allele origin: germline. Affected: yes. Observed: 2 variant alleles.
Comment: PPP6R2: BP4, BP7

NM_001242898.2(PPP6R2):c.2478C>T (p.Gly826=)

Gene: PPP6R2 (protein phosphatase 6 regulatory subunit 2; plus strand). Cytogenetic location: 22q13.33.
Variant type: single nucleotide variant.
Coding change: c.2478C>T on transcript NM_001242898.2 (MANE Select); coding-DNA position 2478, C replaced by T.
Protein change: p.Gly826=; no amino-acid change (glycine 826 retained).
Molecular consequence: synonymous variant.
Genome position (GRCh38, 1-based): chr22:50,440,925, C>T. VCF-style: chr22-50440925-C-T. GRCh37 (hg19) VCF-style: chr22-50879354-C-T.
Other names: c.2400C>T, p.Gly800= (NM_001242899.2, NM_001242900.2, NM_001351644.2); c.2481C>T, p.Gly827= (NM_001351641.2, NM_001351642.2); c.2478C>T, p.Gly826= (NM_001351643.2); c.2397C>T, p.Gly799= (NM_001351645.2, NM_014678.5); c.2394C>T, p.Gly798= (NM_001351646.2); c.1992C>T, p.Gly664= (NM_001351647.2); c.1911C>T, p.Gly637= (NM_001351648.2); c.2499C>T, p.Gly833= (NM_001365836.1).
Identifiers: ClinVar variation 2653386 (VCV002653386.24), dbSNP rs199797747, ClinGen allele CA10315448.